The following is an entry in ClinVar:

NM_007294.4(BRCA1):c.5278-1071G>A

Gene: BRCA1 (BRCA1 DNA repair associated; minus strand). Cytogenetic location: 17q21.31.
Variant type: single nucleotide variant.
Coding change: c.5278-1071G>A on transcript NM_007294.4 (MANE Select); 1071 bases into the intron before coding-DNA position 5278, G replaced by A.
Molecular consequence: intron variant.
Genome position (GRCh38, 1-based): chr17:43,052,188, C>T on the plus strand (G>A on the coding strand, the complement: BRCA1 is on the minus strand). VCF-style: chr17-43052188-C-T. GRCh37 (hg19) VCF-style: chr17-41204205-C-T.
Other names: IVS 20-1071G>A; c.1825-1071G>A (NM_001408458.1, NM_001408461.1, NM_001408464.1 and 7 more transcripts); c.4387-1071G>A (NM_001407967.1); c.4897-1071G>A (NM_001407959.1); c.5011-1071G>A (NM_001407931.1, NM_001407932.1, NM_001407928.1 and 4 more transcripts); c.5134-1071G>A (NM_001407747.1, NM_001407745.1, NM_001407737.1 and 21 more transcripts); c.4894-1071G>A (NM_001407962.1, NM_001407960.1); c.1465-1071G>A (NM_001408512.1); and 75 more.
Identifiers: ClinVar variation 209264 (VCV000209264.2), dbSNP rs150614759, ClinGen allele CA276236.

ClinVar aggregate classification (germline): Benign (3 of 4 stars; one submission).

Conditions:
Breast-ovarian cancer, familial, susceptibility to, 1 (BROVCA1). Also called: BRCA1 Hereditary Breast and Ovarian Cancer; OVARIAN CANCER, SUSCEPTIBILITY TO. Identifiers: Orphanet 145, MedGen C2676676, MONDO:0011450, OMIM 604370. Disease mechanism: loss of function.

Allele frequency attached by ClinVar (database versions not stated): 1000 Genomes Project 30x 0.00250; gnomAD 0.00276 and 0.00302; 1000 Genomes Project 0.00300; TOPMed 0.00311.
gnomAD v4.1: 416 of 152,310 alleles (0.27%); highest among the groups gnomAD compares: African/African-American, 0.94%; 1 homozygote.

Submission:

Evidence-based Network for the Interpretation of Germline Mutant Alleles (ENIGMA)
Classification: Benign for Breast-ovarian cancer, familial 1. Last evaluated: 2015-01-12. Review status: reviewed by expert panel. Criteria: ENIGMA BRCA1/2 Classification Criteria (2015). Collection method: curation. Allele origin: germline.
Comment: Class 1 not pathogenic based on frequency >1% in an outbred sampleset. Frequency 0.01423 (African), derived from 1000 genomes (2012-04-30).